The following is an entry in ClinVar:

ClinVar aggregate classification (germline): Likely benign. Review status: criteria provided, multiple submitters, no conflicts (2 of 4 stars). 3 submissions from 3 submitters: Likely benign (3). Last evaluated 2025-10-03.

Conditions:
Emery-Dreifuss muscular dystrophy 4, autosomal dominant (EDMD4). Also called: EMERY-DREIFUSS MUSCULAR DYSTROPHY 4 WITH VARIABLE FEATURES. Identifiers: Orphanet 261, MedGen C2751807, MONDO:0013071, OMIM 612998.
Autosomal recessive ataxia, Beauce type. Also called: ATAXIA, RECESSIVE, OF BEAUCE; SYNE1-Related Autosomal Recessive Cerebellar Ataxia; Spinocerebellar ataxia, autosomal recessive 8; SYNE1 Deficiency. Identifiers: Orphanet 88644, MedGen C1853116, MONDO:0012549, OMIM 610743.

Allele frequency attached by ClinVar (database versions not stated): gnomAD exomes below 0.00001; gnomAD 0.00003 and 0.00004; TOPMed 0.00005.
gnomAD v4.1: 59 of 1,613,998 alleles (0.0037%); highest among the groups gnomAD compares: Non-Finnish European, 0.0049%; no homozygotes.

Submissions (3):

Labcorp Genetics (formerly Invitae), Labcorp
Classification: Likely benign for Emery-Dreifuss muscular dystrophy 4, autosomal dominant; Autosomal recessive ataxia, Beauce type. Last evaluated: 2025-10-03. Review status: criteria provided, single submitter. Criteria: Invitae Variant Classification Sherloc (09022015). Collection method: clinical testing. Allele origin: germline.

Women's Health and Genetics/Laboratory Corporation of America, LabCorp
Classification: Likely benign. Last evaluated: 2024-04-05. Review status: criteria provided, single submitter. Criteria: LabCorp Variant Classification Summary - May 2015. Collection method: clinical testing. Allele origin: germline.

GeneDx
Classification: Likely benign. Last evaluated: 2016-08-17. Review status: criteria provided, single submitter. Criteria: GeneDx Variant Classification (06012015). Collection method: clinical testing. Allele origin: germline. Affected: yes.
Comment: This variant is considered likely benign or benign based on one or more of the following criteria: it is a conservative change, it occurs at a poorly conserved position in the protein, it is predicted to be benign by multiple in silico algorithms, and/or has population frequency not consistent with disease.

NM_182961.4(SYNE1):c.17322G>T (p.Leu5774=)

Gene: SYNE1 (spectrin repeat containing nuclear envelope protein 1; minus strand). Cytogenetic location: 6q25.2.
Variant type: single nucleotide variant.
Coding change: c.17322G>T on transcript NM_182961.4 (MANE Select); coding-DNA position 17322, G replaced by T.
Protein change: p.Leu5774=; no amino-acid change (leucine 5774 retained).
Molecular consequence: synonymous variant.
Genome position (GRCh38, 1-based): chr6:152,308,513, C>A on the plus strand (G>T on the coding strand, the complement: SYNE1 is on the minus strand). VCF-style: chr6-152308513-C-A. GRCh37 (hg19) VCF-style: chr6-152629648-C-A.
Other names: c.17109G>T, p.Leu5703= (NM_033071.5).
Identifiers: ClinVar variation 388605 (VCV000388605.10), dbSNP rs752995421, ClinGen allele CA16604884.
Genomic context (GRCh38, chr6:152,308,513, plus strand): 5'-TTCCTGCCCTCGGTATTTCGCCTACATTCCTCTCACCTCATGCCGAGAAATCTGAGCCTG[C>A]AGCTCCTGTATGTTACTGGTGGCAACAGGTTTATCCTCAATCTCTCTGTGAGCTCCTTCT-3'
Protein context (NP_892006.3, residues 5764-5784): KPVATSNIQE[Leu5774=]QAQISRHEEL